The following is an entry in ClinVar:

ClinVar aggregate classification (germline): Uncertain significance (1 of 4 stars; one submission).

Allele frequency attached by ClinVar (database versions not stated): gnomAD exomes below 0.00001; TOPMed 0.00001.

Submission:

Labcorp Genetics (formerly Invitae), Labcorp
Classification: Uncertain significance. Last evaluated: 2022-06-08. Review status: criteria provided, single submitter. Criteria: Invitae Variant Classification Sherloc (09022015). Collection method: clinical testing. Allele origin: germline.
Comment: This sequence change replaces leucine, which is neutral and non-polar, with isoleucine, which is neutral and non-polar, at codon 254 of the TLR7 protein (p.Leu254Ile). This variant is not present in population databases (gnomAD no frequency). This variant has not been reported in the literature in individuals affected with TLR7-related conditions. Algorithms developed to predict the effect of missense changes on protein structure and function are either unavailable or do not agree on the potential impact of this missense change (SIFT: "Deleterious"; PolyPhen-2: "Probably Damaging"; Align-GVGD: "Class C0"). In summary, the available evidence is currently insufficient to determine the role of this variant in disease. Therefore, it has been classified as a Variant of Uncertain Significance.

NM_016562.4(TLR7):c.760C>A (p.Leu254Ile)

Gene: TLR7 (toll like receptor 7; plus strand). Cytogenetic location: Xp22.2.
Variant type: single nucleotide variant.
Coding change: c.760C>A on transcript NM_016562.4 (MANE Select); coding-DNA position 760, C replaced by A.
Protein change: p.Leu254Ile; replaces leucine 254 with isoleucine.
Molecular consequence: missense variant.
Genome position (GRCh38, 1-based): chrX:12,886,268, C>A. VCF-style: chrX-12886268-C-A. GRCh37 (hg19) VCF-style: chrX-12904387-C-A.
Other names: short protein forms L254I.
Identifiers: ClinVar variation 2166116 (VCV002166116.4), dbSNP rs2042911031, ClinGen allele CA412405556.